The following is an entry in ClinVar:

NM_014140.4(SMARCAL1):c.2291G>A (p.Arg764Gln)

Gene: SMARCAL1 (SNF2 related chromatin remodeling annealing helicase 1; plus strand). Cytogenetic location: 2q35.
Variant type: single nucleotide variant.
Coding change: c.2291G>A on transcript NM_014140.4 (MANE Select); coding-DNA position 2291, G replaced by A.
Protein change: p.Arg764Gln; replaces arginine 764 with glutamine.
Molecular consequence: missense variant.
Genome position (GRCh38, 1-based): chr2:216,475,315, G>A. VCF-style: chr2-216475315-G-A. GRCh37 (hg19) VCF-style: chr2-217340038-G-A.
Other names: c.2291G>A, p.Arg764Gln (NM_001127207.2); c.2291G>A (NM_001127207.1); short protein forms R764Q.
Identifiers: ClinVar variation 4178 (VCV000004178.14), dbSNP rs267607071, ClinGen allele CA253035.

ClinVar aggregate classification (germline): Pathogenic. Review status: criteria provided, multiple submitters, no conflicts (2 of 4 stars). 5 submissions from 5 submitters: Pathogenic (4). 1 of the submissions does not count toward it. Last evaluated 2025-09-21.

Conditions:
Schimke immuno-osseous dysplasia (SIOD). Also called: Schimke Immunoosseous Dysplasia. Identifiers: Orphanet 1830, MedGen C0877024, MONDO:0009458, OMIM 242900.

Allele frequency attached by ClinVar (database versions not stated): gnomAD exomes 0.00002 and 0.00003; ExAC 0.00002; gnomAD 0.00002; TOPMed 0.00002.
gnomAD v4.1: 49 of 1,614,076 alleles (0.003%); highest among the groups gnomAD compares: Non-Finnish European, 0.0038%; no homozygotes.

Submissions (5):

Labcorp Genetics (formerly Invitae), Labcorp
Classification: Pathogenic for Schimke immuno-osseous dysplasia. Last evaluated: 2025-09-21. Review status: criteria provided, single submitter. Criteria: Invitae Variant Classification Sherloc (09022015). Collection method: clinical testing. Allele origin: germline.
Comment: This sequence change replaces arginine, which is basic and polar, with glutamine, which is neutral and polar, at codon 764 of the SMARCAL1 protein (p.Arg764Gln). This variant is present in population databases (rs267607071, gnomAD 0.006%). This missense change has been observed in individual(s) with Schimke immuno-osseous dysplasia (PMID: 11799392, 22998683). In at least one individual the data is consistent with being in trans (on the opposite chromosome) from a pathogenic variant. ClinVar contains an entry for this variant (Variation ID: 4178). Invitae Evidence Modeling of protein sequence and biophysical properties (such as structural, functional, and spatial information, amino acid conservation, physicochemical variation, residue mobility, and thermodynamic stability) indicates that this missense variant is expected to disrupt SMARCAL1 protein function with a positive predictive value of 80%. Experimental studies have shown that this missense change affects SMARCAL1 function (PMID: 18805831, 18974355, 19793864, 23671665, 26089390). For these reasons, this variant has been classified as Pathogenic.

Natera, Inc.
Classification: Pathogenic for Schimke immuno-osseous dysplasia. Last evaluated: 2024-06-05. Review status: criteria provided, single submitter. Criteria: Natera Variant Classification Schema (03/2026). Collection method: clinical testing. Allele origin: germline.
Comment: The c.2291G>A variant in SMARCAL1 is a missense variant predicted to cause substitution of arginine to glutamine at amino acid 764. This variant is rare in the general population with a frequency below the threshold expected for the associated phenotype(s). This variant has been observed in one or more individuals affected with the associated recessive disease, as either homozygous or compound heterozygous with a second variant (PMID: 11799392, 31039288). Functional studies show that this variant may disrupt protein function (PMID: 18974355). A different variant at the same position has been determined to be Pathogenic or Likely Pathogenic. Computational prediction algorithms indicate this variant is likely to affect gene or protein function. Given the available evidence, this variant is classified as Pathogenic.

Fulgent Genetics
Classification: Pathogenic for Schimke immuno-osseous dysplasia. Last evaluated: 2024-03-20. Review status: criteria provided, single submitter. Criteria: ACMG Guidelines, 2015. Collection method: clinical testing. Allele origin: germline.

Institute of Human Genetics, University of Leipzig Medical Center
Classification: Pathogenic for Schimke immuno-osseous dysplasia. Last evaluated: 2019-07-10. Review status: criteria provided, single submitter. Criteria: ACMG Guidelines, 2015. Collection method: clinical testing. Allele origin: unknown. Inheritance: Autosomal recessive inheritance. Affected: yes.

OMIM
Classification: Pathogenic for SCHIMKE IMMUNOOSSEOUS DYSPLASIA. Last evaluated: 2009-10-15. Review status: no assertion criteria provided. Collection method: literature only. Allele origin: germline. Not counted in ClinVar's aggregate classification.

Literature cited by the submitters: PubMed 11799392 (cited by 3 submitters); PubMed 22998683 (cited by Labcorp Genetics (formerly Invitae), Labcorp); PubMed 18805831 (cited by Labcorp Genetics (formerly Invitae), Labcorp); PubMed 18974355 (cited by 3 submitters); PubMed 19793864 (cited by Labcorp Genetics (formerly Invitae), Labcorp and OMIM); PubMed 23671665 (cited by Labcorp Genetics (formerly Invitae), Labcorp); PubMed 26089390 (cited by Labcorp Genetics (formerly Invitae), Labcorp); PubMed 31039288 (cited by Natera, Inc.).